The following is an entry in ClinVar:

NM_004360.5(CDH1):c.14G>C (p.Ser5Thr)

Gene: CDH1 (cadherin 1; plus strand). Cytogenetic location: 16q22.1.
Variant type: single nucleotide variant.
Coding change: c.14G>C on transcript NM_004360.5 (MANE Select); coding-DNA position 14, G replaced by C.
Protein change: p.Ser5Thr; replaces serine 5 with threonine.
Molecular consequence: missense variant. On other transcripts: 5 prime UTR variant (2).
Genome position (GRCh38, 1-based): chr16:68,737,429, G>C. VCF-style: chr16-68737429-G-C. GRCh37 (hg19) VCF-style: chr16-68771332-G-C.
Other names: c.14G>C, p.Ser5Thr (NM_001317184.2); c.-1602G>C (NM_001317185.2); c.-1806G>C (NM_001317186.2); short protein forms S5T.
Identifiers: ClinVar variation 3651601 (VCV003651601.2).
Genomic context (GRCh38, chr16:68,737,429, plus strand): 5'-CCCGACCGCACCCGGCGCCTGCCCTCGCTCGGCGTCCCCGGCCAGCCATGGGCCCTTGGA[G>C]CCGCAGCCTCTCGGCGCTGCTGCTGCTGCTGCAGGTACCCCGGATCCCCTGACTTGCGAG-3'
Protein context (NP_004351.1, residues 1-15): MGPW[Ser5Thr]RSLSALLLLL

ClinVar aggregate classification (germline): Uncertain significance (1 of 4 stars; one submission).

Conditions:
Hereditary diffuse gastric adenocarcinoma (HDGC). Also called: DIFFUSE GASTRIC AND LOBULAR BREAST CANCER SYNDROME. Identifiers: Orphanet 26106, MedGen C1708349, MONDO:0007648, OMIM 137215.

Submission:

Labcorp Genetics (formerly Invitae), Labcorp
Classification: Uncertain significance for Hereditary diffuse gastric adenocarcinoma. Last evaluated: 2024-04-30. Review status: criteria provided, single submitter. Criteria: Invitae Variant Classification Sherloc (09022015). Collection method: clinical testing. Allele origin: germline.
Comment: This sequence change replaces serine, which is neutral and polar, with threonine, which is neutral and polar, at codon 5 of the CDH1 protein (p.Ser5Thr). This variant is not present in population databases (gnomAD no frequency). This variant has not been reported in the literature in individuals affected with CDH1-related conditions. An algorithm developed to predict the effect of missense changes on protein structure and function (PolyPhen-2) suggests that this variant is likely to be tolerated. In summary, the available evidence is currently insufficient to determine the role of this variant in disease. Therefore, it has been classified as a Variant of Uncertain Significance.